The following is an entry in ClinVar:

ClinVar aggregate classification (germline): Uncertain significance (1 of 4 stars; one submission).

Conditions:
Inborn genetic diseases. Identifiers: MedGen C0950123, MeSH D030342.

Allele frequency attached by ClinVar (database versions not stated): gnomAD 0.00001; gnomAD exomes 0.00001.
gnomAD v4.1: 9 of 1,613,602 alleles (0.00056%); highest among the groups gnomAD compares: Non-Finnish European, 0.00068%; no homozygotes.

Submission:

Ambry Genetics
Classification: Uncertain significance for Inborn genetic diseases. Last evaluated: 2024-09-18. Review status: criteria provided, single submitter. Criteria: Ambry Variant Classification Scheme 2023. Collection method: clinical testing. Allele origin: germline.
Comment: The p.L1235W variant (also known as c.3704T>G), located in coding exon 27 of the LRRK2 gene, results from a T to G substitution at nucleotide position 3704. The leucine at codon 1235 is replaced by tryptophan, an amino acid with similar properties. This amino acid position is conserved. In addition, the in silico prediction for this alteration is inconclusive. Since supporting evidence is limited at this time, the clinical significance of this alteration remains unclear.

NM_198578.4(LRRK2):c.3704T>G (p.Leu1235Trp)

Gene: LRRK2 (leucine rich repeat kinase 2; plus strand). Cytogenetic location: 12q12.
Variant type: single nucleotide variant.
Coding change: c.3704T>G on transcript NM_198578.4 (MANE Select); coding-DNA position 3704, T replaced by G.
Protein change: p.Leu1235Trp; replaces leucine 1235 with tryptophan.
Molecular consequence: missense variant.
Genome position (GRCh38, 1-based): chr12:40,304,061, T>G. VCF-style: chr12-40304061-T-G. GRCh37 (hg19) VCF-style: chr12-40697863-T-G.
Other names: short protein forms L1235W.
Identifiers: ClinVar variation 1734134 (VCV001734134.3), dbSNP rs1303200514, ClinGen allele CA384416769.